The following is an entry in ClinVar:

ClinVar aggregate classification (germline): Uncertain significance (1 of 4 stars; one submission).

Allele frequency attached by ClinVar (database versions not stated): ExAC 0.00001; gnomAD 0.00001 and 0.00002; gnomAD exomes 0.00001; TOPMed 0.00002.
gnomAD v4.1: 12 of 1,613,042 alleles (0.00074%); highest among the groups gnomAD compares: Middle Eastern, 0.017%; no homozygotes.

Submission:

GeneDx
Classification: Uncertain significance. Last evaluated: 2020-07-23. Review status: criteria provided, single submitter. Criteria: GeneDx Variant Classification Process June 2021. Collection method: clinical testing. Allele origin: germline. Affected: yes.
Comment: In silico analysis, which includes protein predictors and evolutionary conservation, supports that this variant does not alter protein structure/function; Has not been previously published as pathogenic or benign to our knowledge

NM_004076.5(CRYBB3):c.614G>A (p.Arg205Gln)

Gene: CRYBB3 (crystallin beta B3; plus strand). Cytogenetic location: 22q11.23.
Variant type: single nucleotide variant.
Coding change: c.614G>A on transcript NM_004076.5 (MANE Select); coding-DNA position 614, G replaced by A.
Protein change: p.Arg205Gln; replaces arginine 205 with glutamine.
Molecular consequence: missense variant.
Genome position (GRCh38, 1-based): chr22:25,207,190, G>A. VCF-style: chr22-25207190-G-A. GRCh37 (hg19) VCF-style: chr22-25603157-G-A.
Other names: short protein forms R205Q.
Identifiers: ClinVar variation 1315374 (VCV001315374.2), dbSNP rs758192679, ClinGen allele CA10157868.